The following is an entry in ClinVar:

ClinVar aggregate classification (germline): Uncertain significance (1 of 4 stars; one submission).

Submission:

Ambry Genetics
Classification: Uncertain significance. Last evaluated: 2025-05-17. Review status: criteria provided, single submitter. Criteria: Ambry Variant Classification Scheme 2023. Collection method: clinical testing. Allele origin: germline.
Comment: The p.Q124E variant (also known as c.370C>G), located in coding exon 3 of the RECQL gene, results from a C to G substitution at nucleotide position 370. The glutamine at codon 124 is replaced by glutamic acid, an amino acid with highly similar properties. This amino acid position is conserved. In addition, this alteration is predicted to be deleterious by in silico analysis. Since supporting evidence is limited at this time, the clinical significance of this alteration remains unclear.

NM_002907.4(RECQL):c.370C>G (p.Gln124Glu)

Gene: RECQL (RecQ like helicase; minus strand). Cytogenetic location: 12p12.1.
Variant type: single nucleotide variant.
Coding change: c.370C>G on transcript NM_002907.4 (MANE Select); coding-DNA position 370, C replaced by G.
Protein change: p.Gln124Glu; replaces glutamine 124 with glutamic acid.
Molecular consequence: missense variant.
Genome position (GRCh38, 1-based): chr12:21,490,223, G>C on the plus strand (C>G on the coding strand, the complement: RECQL is on the minus strand). VCF-style: chr12-21490223-G-C. GRCh37 (hg19) VCF-style: chr12-21643157-G-C.
Other names: c.370C>G, p.Gln124Glu (NM_032941.3); short protein forms Q124E.
Identifiers: ClinVar variation 1734180 (VCV001734180.3), dbSNP rs1943383076, ClinGen allele CA384132266.
Genomic context (GRCh38, chr12:21,490,223, plus strand): 5'-CTTCTTCAACTCAAAATTAATTTTTTTAGTACATACCATCTGAACATAATGCTGGTAACT[G>C]GTAACATAAGCTCTTTCCACCTCCTGTAGGCATAACAAGAAATACCTCCTTTCCAGCCAT-3'
Protein context (NP_002898.2, residues 114-134): PTGGGKSLCY[Gln124Glu]LPALCSDGFT